The following is an entry in ClinVar:

ClinVar aggregate classification (germline): Uncertain significance (1 of 4 stars; one submission).

Conditions:
Progressive myoclonic epilepsy. Also called: Familial progressive myoclonic epilepsy; Myoclonus epilepsy; Progressive myoclonus epilepsy; Myoclonic Epilepsies, Progressive. Identifiers: Orphanet 308, Orphanet 98261, MedGen C0751778, MONDO:0020074.

Submission:

Labcorp Genetics (formerly Invitae), Labcorp
Classification: Uncertain significance for Progressive myoclonic epilepsy. Last evaluated: 2019-11-29. Review status: criteria provided, single submitter. Criteria: Invitae Variant Classification Sherloc (09022015). Collection method: clinical testing. Allele origin: germline.
Comment: This sequence change replaces cysteine with arginine at codon 169 of the EPM2A protein (p.Cys169Arg). The cysteine residue is highly conserved and there is a large physicochemical difference between cysteine and arginine. This variant is not present in population databases (ExAC no frequency). This variant has not been reported in the literature in individuals with EPM2A-related conditions. Algorithms developed to predict the effect of missense changes on protein structure and function (SIFT, PolyPhen-2, Align-GVGD) all suggest that this variant is likely to be disruptive, but these predictions have not been confirmed by published functional studies and their clinical significance is uncertain. In summary, the available evidence is currently insufficient to determine the role of this variant in disease. Therefore, it has been classified as a Variant of Uncertain Significance.

NM_005670.4(EPM2A):c.505T>C (p.Cys169Arg)

Gene: EPM2A (EPM2A glucan phosphatase, laforin; minus strand). Cytogenetic location: 6q24.3.
Variant type: single nucleotide variant.
Coding change: c.505T>C on transcript NM_005670.4 (MANE Select); coding-DNA position 505, T replaced by C.
Protein change: p.Cys169Arg; replaces cysteine 169 with arginine.
Molecular consequence: missense variant. On other transcripts: intron variant (1).
Genome position (GRCh38, 1-based): chr6:145,635,458, A>G on the plus strand (T>C on the coding strand, the complement: EPM2A is on the minus strand). VCF-style: chr6-145635458-A-G. GRCh37 (hg19) VCF-style: chr6-145956594-A-G.
Other names: c.505T>C, p.Cys169Arg (NM_001018041.2, NM_001368130.1); c.91T>C, p.Cys31Arg (NM_001360064.2, NM_001360071.2, NM_001368131.1); c.43T>C, p.Cys15Arg (NM_001368129.2, NM_001368132.1); c.477-7765T>C (NM_001360057.2); short protein forms C169R, C31R, C15R.
Identifiers: ClinVar variation 844153 (VCV000844153.1), dbSNP rs1776588357, ClinGen allele CA366191544.